The following is an entry in ClinVar:

NM_001127222.2(CACNA1A):c.2587C>G (p.Arg863Gly)

Gene: CACNA1A (calcium voltage-gated channel subunit alpha1 A; minus strand). Cytogenetic location: 19p13.13.
Variant type: single nucleotide variant.
Coding change: c.2587C>G on transcript NM_001127222.2 (MANE Select); coding-DNA position 2587, C replaced by G.
Protein change: p.Arg863Gly; replaces arginine 863 with glycine.
Molecular consequence: missense variant.
Genome position (GRCh38, 1-based): chr19:13,299,046, G>C on the plus strand (C>G on the coding strand, the complement: CACNA1A is on the minus strand). VCF-style: chr19-13299046-G-C. GRCh37 (hg19) VCF-style: chr19-13409860-G-C.
Other names: c.2599C>G, p.Arg867Gly (NM_000068.4, NM_023035.3); c.2590C>G, p.Arg864Gly (NM_001127221.2, NM_001174080.2); short protein forms R863G, R864G, R867G.
Identifiers: ClinVar variation 2931452 (VCV002931452.3), dbSNP rs777076641, ClinGen allele CA404343123.
Genomic context (GRCh38, chr19:13,299,046, plus strand): 5'-AGGGCCTCCGTGCGTCCAGGCCCGCCGAGCCGCTGGGGTCCCGGGCCCGATCGTGGTAGC[G>C]GGCCTGTTTCCTGAGGAAGTCCTCGGCGCGCTGCTGGCCGAGGCGCTGGTCCACGGTGGG-3'
Protein context (NP_001120694.1, residues 853-873): RAEDFLRKQA[Arg863Gly]YHDRARDPSG

ClinVar aggregate classification (germline): Uncertain significance (1 of 4 stars; one submission).

Conditions:
Episodic ataxia type 2 (EA2). Also called: CEREBELLAR ATAXIA, PAROXYSMAL, ACETAZOLAMIDE-RESPONSIVE; CEREBELLOPATHY, HEREDITARY PAROXYSMAL; EPISODIC ATAXIA, NYSTAGMUS-ASSOCIATED; ACETAZOLAMIDE-RESPONSIVE HEREDITARY PAROXYSMAL CEREBELLAR ATAXIA; ATAXIA, EPISODIC, WITH NYSTAGMUS; ATAXIA, FAMILIAL PAROXYSMAL. Identifiers: Orphanet 97, MedGen C1720416, MONDO:0007163, OMIM 108500.
Developmental and epileptic encephalopathy, 42 (DEE42A). Also called: Epileptic encephalopathy, early infantile, 42; DEVELOPMENTAL AND EPILEPTIC ENCEPHALOPATHY 42A; EPILEPTIC ENCEPHALOPATHY, EARLY INFANTILE, 42A. Identifiers: MedGen C4310716, MONDO:0014917, OMIM 617106.

Submission:

Labcorp Genetics (formerly Invitae), Labcorp
Classification: Uncertain significance for Developmental and epileptic encephalopathy, 42; Episodic ataxia type 2. Last evaluated: 2023-12-23. Review status: criteria provided, single submitter. Criteria: Invitae Variant Classification Sherloc (09022015). Collection method: clinical testing. Allele origin: germline.
Comment: This sequence change replaces arginine, which is basic and polar, with glycine, which is neutral and non-polar, at codon 864 of the CACNA1A protein (p.Arg864Gly). This variant is not present in population databases (gnomAD no frequency). This variant has not been reported in the literature in individuals affected with CACNA1A-related conditions. Advanced modeling of protein sequence and biophysical properties (such as structural, functional, and spatial information, amino acid conservation, physicochemical variation, residue mobility, and thermodynamic stability) performed at Invitae indicates that this missense variant is not expected to disrupt CACNA1A protein function with a negative predictive value of 95%. In summary, the available evidence is currently insufficient to determine the role of this variant in disease. Therefore, it has been classified as a Variant of Uncertain Significance.